The following is an entry in ClinVar:

NM_005184.4(CALM3):c.395A>T (p.Asp132Val)

Gene: CALM3 (calmodulin 3; plus strand). Cytogenetic location: 19q13.32.
Variant type: single nucleotide variant.
Coding change: c.395A>T on transcript NM_005184.4 (MANE Select); coding-DNA position 395, A replaced by T.
Protein change: p.Asp132Val; replaces aspartic acid 132 with valine.
Molecular consequence: missense variant.
Genome position (GRCh38, 1-based): chr19:46,608,955, A>T. VCF-style: chr19-46608955-A-T. GRCh37 (hg19) VCF-style: chr19-47112212-A-T.
Other names: c.287A>T, p.Asp96Val (NM_001329921.1, NM_001329923.1, NM_001329924.2 and 2 more transcripts); c.395A>T, p.Asp132Val (NM_001329922.1); short protein forms D132V, D96V.
Identifiers: ClinVar variation 1047000 (VCV001047000.10), dbSNP rs1057523474, ClinGen allele CA406473593.

ClinVar aggregate classification (germline): Uncertain significance (1 of 4 stars; one submission).

Conditions:
Long QT syndrome 1 (LQT1). Identifiers: Orphanet 101016, Orphanet 768, MedGen C4551647, MONDO:0100316, OMIM 192500, MONDO:0008646.

Submission:

Labcorp Genetics (formerly Invitae), Labcorp
Classification: Uncertain significance for Long QT syndrome 1. Last evaluated: 2020-05-26. Review status: criteria provided, single submitter. Criteria: Invitae Variant Classification Sherloc (09022015). Collection method: clinical testing. Allele origin: germline.
Comment: This sequence change replaces aspartic acid with valine at codon 132 of the CALM3 protein (p.Asp132Val). The aspartic acid residue is highly conserved and there is a large physicochemical difference between aspartic acid and valine. This variant is not present in population databases (ExAC no frequency). This variant has been observed in individual(s) with clinical features of long QT syndrome (Invitae). Algorithms developed to predict the effect of missense changes on protein structure and function (SIFT, PolyPhen-2, Align-GVGD) all suggest that this variant is likely to be disruptive, but these predictions have not been confirmed by published functional studies and their clinical significance is uncertain. In summary, the available evidence is currently insufficient to determine the role of this variant in disease. Therefore, it has been classified as a Variant of Uncertain Significance.